The following is an entry in ClinVar:

ClinVar aggregate classification (germline): Conflicting classifications of pathogenicity. Review status: criteria provided, conflicting classifications (1 of 4 stars). 4 submissions from 4 submitters: Pathogenic (1); Uncertain significance (3). Last evaluated 2024-12-02.

Conditions:
Mucopolysaccharidosis, MPS-IV-A (MPS4A). Also called: MPS IVA; Mucopolysaccharidosis Type IVA; Morquio syndrome A, mild; MORQUIO A DISEASE; mucopolysaccharidosis type 4A; Mucopolysaccharidosis type IV A. Identifiers: Orphanet 309297, Orphanet 582, MedGen C0086651, MONDO:0009659, OMIM 253000.

Allele frequency attached by ClinVar (database versions not stated): gnomAD exomes below 0.00001.
gnomAD v4.1: 2 of 1,611,842 alleles (0.00012%); highest among the groups gnomAD compares: Non-Finnish European, 0.00017%; no homozygotes.

Submissions (4):

Labcorp Genetics (formerly Invitae), Labcorp
Classification: Pathogenic for Mucopolysaccharidosis, MPS-IV-A. Last evaluated: 2024-12-02. Review status: criteria provided, single submitter. Criteria: Invitae Variant Classification Sherloc (09022015). Collection method: clinical testing. Allele origin: germline.
Comment: This sequence change replaces phenylalanine, which is neutral and non-polar, with isoleucine, which is neutral and non-polar, at codon 452 of the GALNS protein (p.Phe452Ile). This variant is not present in population databases (gnomAD no frequency). This missense change has been observed in individual(s) with mucopolysaccharidosis type IVA (PMID: 23876334). ClinVar contains an entry for this variant (Variation ID: 93166). Invitae Evidence Modeling of protein sequence and biophysical properties (such as structural, functional, and spatial information, amino acid conservation, physicochemical variation, residue mobility, and thermodynamic stability) indicates that this missense variant is expected to disrupt GALNS protein function with a positive predictive value of 95%. For these reasons, this variant has been classified as Pathogenic.

Genome-Nilou Lab
Classification: Uncertain significance for Mucopolysaccharidosis, MPS-IV-A. Last evaluated: 2021-11-07. Review status: criteria provided, single submitter. Criteria: ACMG Guidelines, 2015. Collection method: clinical testing. Allele origin: germline. Affected: no.

Laboratory of Diagnosis and Therapy of Lysosomal Disorders, University of Padova
Classification: Uncertain significance for Mucopolysaccharidosis, MPS-IV-A. Last evaluated: 2021-02-01. Review status: criteria provided, single submitter. Criteria: ACMG Guidelines, 2015. Collection method: research. Allele origin: germline. Affected: yes.
Comment: The prevalence of the variant in affected individuals is significantly increased compared with the prevalence in controls (PS4_supporting); absent from gnomAD v2.1.1 (PM2_moderate)

Eurofins Ntd Llc (ga)
Classification: Uncertain significance. Last evaluated: 2013-07-26. Review status: criteria provided, single submitter. Criteria: EGL Classification Definitions 2015. Collection method: clinical testing. Allele origin: germline. Observed: 3 variant alleles, 3 heterozygotes.

Literature cited by the submitters: PubMed 23876334 (cited by Labcorp Genetics (formerly Invitae), Labcorp and Laboratory of Diagnosis and Therapy of Lysosomal Disorders, University of Padova); PubMed 16287098 (cited by Laboratory of Diagnosis and Therapy of Lysosomal Disorders, University of Padova); PubMed 32993725 (cited by Laboratory of Diagnosis and Therapy of Lysosomal Disorders, University of Padova); PubMed 34387910 (cited by Laboratory of Diagnosis and Therapy of Lysosomal Disorders, University of Padova).

NM_000512.5(GALNS):c.1354T>A (p.Phe452Ile)

Gene: GALNS (galactosamine (N-acetyl)-6-sulfatase; minus strand). Cytogenetic location: 16q24.3.
Variant type: single nucleotide variant.
Coding change: c.1354T>A on transcript NM_000512.5 (MANE Select); coding-DNA position 1354, T replaced by A.
Protein change: p.Phe452Ile; replaces phenylalanine 452 with isoleucine.
Molecular consequence: missense variant.
Genome position (GRCh38, 1-based): chr16:88,822,599, A>T on the plus strand (T>A on the coding strand, the complement: GALNS is on the minus strand). VCF-style: chr16-88822599-A-T. GRCh37 (hg19) VCF-style: chr16-88889007-A-T.
Other names: c.799T>A, p.Phe267Ile (NM_001323543.2); c.1372T>A, p.Phe458Ile (NM_001323544.2); short protein forms F452I, F458I, F267I.
Identifiers: ClinVar variation 93166 (VCV000093166.17), dbSNP rs398123432, ClinGen allele CA221045.